The following is an entry in ClinVar:

ClinVar aggregate classification (germline): Conflicting classifications of pathogenicity. Review status: criteria provided, conflicting classifications (1 of 4 stars). 4 submissions from 4 submitters: Pathogenic (1); Likely pathogenic (1); Uncertain significance (1). 1 of the submissions does not count toward it. Last evaluated 2026-06-15.

Conditions:
Cerebrooculofacioskeletal syndrome 2 (COFS2). Identifiers: MedGen C1853102, MONDO:0012553, OMIM 610756.
ERCC2-related disorder. Also called: ERCC2-related disorders; ERCC2-related conditions; ERCC2-related condition. Identifiers: MedGen CN239291.

Allele frequency attached by ClinVar (database versions not stated): TOPMed below 0.00001; ExAC 0.00001; gnomAD 0.00001; gnomAD exomes 0.00002.

Submissions (4):

Myriad Genetics, Inc.
Classification: Uncertain significance for ERCC2-related disorder. Last evaluated: 2026-06-15. Review status: criteria provided, single submitter. Criteria: Myriad Autosomal Dominant, Autosomal Recessive and X-Linked Classification Criteria (2023). Collection method: clinical testing. Allele origin: unknown.
Comment: NM_000400.3(ERCC2):c.1973G>A(R658H) is a missense variant classified as a variant of uncertain significance in the context of ERCC2-related disorders. R658H has been observed in cases with relevant disease (PMID: 37977600, 9238033). Relevant functional assessments of this variant are not available in the literature. R658H has been observed in referenced population frequency databases. In summary, there is insufficient evidence to classify NM_000400.3(ERCC2):c.1973G>A(R658H) as pathogenic or benign. Please note: this variant was assessed in the context of healthy population screening.

Labcorp Genetics (formerly Invitae), Labcorp
Classification: Pathogenic. Last evaluated: 2025-05-07. Review status: criteria provided, single submitter. Criteria: Invitae Variant Classification Sherloc (09022015). Collection method: clinical testing. Allele origin: germline.
Comment: This sequence change replaces arginine, which is basic and polar, with histidine, which is basic and polar, at codon 658 of the ERCC2 protein (p.Arg658His). This variant is present in population databases (rs762141272, gnomAD 0.01%). This missense change has been observed in individual(s) with clinical features of trichothiodystrophy (PMID: 8571952, 9238033; internal data). In at least one individual the data is consistent with being in trans (on the opposite chromosome) from a pathogenic variant. ClinVar contains an entry for this variant (Variation ID: 1499293). Invitae Evidence Modeling of protein sequence and biophysical properties (such as structural, functional, and spatial information, amino acid conservation, physicochemical variation, residue mobility, and thermodynamic stability) indicates that this missense variant is expected to disrupt ERCC2 protein function with a positive predictive value of 80%. Experimental studies have shown that this missense change affects ERCC2 function (PMID: 11585917, 12820975, 25431422). This variant disrupts the p.Arg658 amino acid residue in ERCC2. Other variant(s) that disrupt this residue have been determined to be pathogenic (PMID: 8571952, 23039039). This suggests that this residue is clinically significant, and that variants that disrupt this residue are likely to be disease-causing. For these reasons, this variant has been classified as Pathogenic.

Baylor Genetics
Classification: Likely pathogenic for Cerebrooculofacioskeletal syndrome 2. Last evaluated: 2024-03-30. Review status: criteria provided, single submitter. Criteria: ACMG Guidelines, 2015. Collection method: clinical testing. Allele origin: unknown.

PreventionGenetics, part of Exact Sciences
Classification: Likely pathogenic for ERCC2-related condition. Last evaluated: 2024-09-06. Review status: no assertion criteria provided. Collection method: clinical testing. Allele origin: germline. Not counted in ClinVar's aggregate classification.
Comment: The ERCC2 c.1973G>A variant is predicted to result in the amino acid substitution p.Arg658His. This variant has been reported in the compound heterozygous state with a second disease-causing ERCC2 allele in an individual with trichothiodystrophy (TTD) (Takayama et al. 1996. PubMed ID: 8571952). It has also been observed in the homozygous state in two affected siblings with TTD (Taylor et al. 1997. PubMed ID: 9238033). In vitro studies suggest that this variant negatively impacts protein function by disrupting the interaction between ERCC2 and the p44 subunit of the TFIIH complex (George et al. 2001. PubMed ID: 11585917; Dubaele et al. 2003. PubMed ID: 12820975). This variant is reported in 0.016% of alleles in individuals of East Asian descent in gnomAD. Of note, other missense variants affecting the same amino acid residue (p.Arg658Cys, p.Arg658Gly) have been reported in individuals with TTD and (in the case of p.Arg658Cys) have been shown to be functionally deleterious to a similar degree as the p.Arg658His variant (Takayama et al. 1996. PubMed ID: 8571952; Taylor et al. 1997. PubMed ID: 9238033; Viprakasit et al. 2001. PubMed ID: 11734544; Dubaele et al. 2003. PubMed ID: 12820975). Taken together, the p.Arg658His variant is interpreted as likely pathogenic.

Literature cited by the submitters: PubMed 37977600 (cited by Myriad Genetics, Inc.); PubMed 9238033 (cited by Myriad Genetics, Inc. and Labcorp Genetics (formerly Invitae), Labcorp); PubMed 8571952 (cited by Labcorp Genetics (formerly Invitae), Labcorp); PubMed 11585917 (cited by Labcorp Genetics (formerly Invitae), Labcorp); PubMed 12820975 (cited by Labcorp Genetics (formerly Invitae), Labcorp); PubMed 25431422 (cited by Labcorp Genetics (formerly Invitae), Labcorp); PubMed 23039039 (cited by Labcorp Genetics (formerly Invitae), Labcorp).

NM_000400.4(ERCC2):c.1973G>A (p.Arg658His)

Gene: ERCC2 (ERCC excision repair 2, TFIIH core complex helicase subunit; minus strand). Cytogenetic location: 19q13.32.
Variant type: single nucleotide variant.
Coding change: c.1973G>A on transcript NM_000400.4 (MANE Select); coding-DNA position 1973, G replaced by A.
Protein change: p.Arg658His; replaces arginine 658 with histidine.
Molecular consequence: missense variant.
Genome position (GRCh38, 1-based): chr19:45,352,579, C>T on the plus strand (G>A on the coding strand, the complement: ERCC2 is on the minus strand). VCF-style: chr19-45352579-C-T. GRCh37 (hg19) VCF-style: chr19-45855837-C-T.
Other names: c.1973G>A (NM_000400.3); short protein forms R658H.
Identifiers: ClinVar variation 1499293 (VCV001499293.12), dbSNP rs762141272, ClinGen allele CA9512956.